The following is an entry in ClinVar:

NM_145698.5(ACBD5):c.421C>T (p.Arg141Cys)

Gene: ACBD5 (acyl-CoA binding domain containing 5; minus strand). Cytogenetic location: 10p12.1.
Variant type: single nucleotide variant.
Coding change: c.421C>T on transcript NM_145698.5 (MANE Select); coding-DNA position 421, C replaced by T.
Protein change: p.Arg141Cys; replaces arginine 141 with cysteine.
Molecular consequence: missense variant.
Genome position (GRCh38, 1-based): chr10:27,223,407, G>A on the plus strand (C>T on the coding strand, the complement: ACBD5 is on the minus strand). VCF-style: chr10-27223407-G-A. GRCh37 (hg19) VCF-style: chr10-27512336-G-A.
Other names: c.316C>T, p.Arg106Cys (NM_001042473.4, NM_001352574.2, NM_001352575.2 and 6 more transcripts); c.415C>T, p.Arg139Cys (NM_001271512.3, NM_001352571.1, NM_001352586.1 and 1 more transcripts); c.94C>T, p.Arg32Cys (NM_001301251.2, NM_001301252.2, NM_001301253.2 and 4 more transcripts); c.442C>T, p.Arg148Cys (NM_001352568.1, NM_001352572.1); c.421C>T, p.Arg141Cys (NM_001352569.1, NM_001352570.1, NM_001352573.1 and 2 more transcripts); short protein forms R139C, R32C, R106C, R141C, R148C.
Identifiers: ClinVar variation 1040398 (VCV001040398.8), dbSNP rs761860178, ClinGen allele CA5450959.

ClinVar aggregate classification (germline): Uncertain significance (1 of 4 stars; one submission).

Allele frequency attached by ClinVar (database versions not stated): ExAC 0.00001; gnomAD exomes 0.00001 and 0.00002; TOPMed 0.00001; gnomAD 0.00002.

Submission:

Labcorp Genetics (formerly Invitae), Labcorp
Classification: Uncertain significance. Last evaluated: 2022-10-13. Review status: criteria provided, single submitter. Criteria: Invitae Variant Classification Sherloc (09022015). Collection method: clinical testing. Allele origin: germline.
Comment: In summary, the available evidence is currently insufficient to determine the role of this variant in disease. Therefore, it has been classified as a Variant of Uncertain Significance. This sequence change replaces arginine, which is basic and polar, with cysteine, which is neutral and slightly polar, at codon 141 of the ACBD5 protein (p.Arg141Cys). This variant is present in population databases (rs761860178, gnomAD 0.003%). This variant has not been reported in the literature in individuals affected with ACBD5-related conditions. ClinVar contains an entry for this variant (Variation ID: 1040398). Advanced modeling of protein sequence and biophysical properties (such as structural, functional, and spatial information, amino acid conservation, physicochemical variation, residue mobility, and thermodynamic stability) performed at Invitae indicates that this missense variant is not expected to disrupt ACBD5 protein function.